The following is an entry in ClinVar:

ClinVar aggregate classification (germline): Pathogenic (1 of 4 stars; one submission).

Conditions:
Bardet-Biedl syndrome (BBS). Identifiers: Orphanet 110, MedGen C0752166, MONDO:0015229.

Submission:

Labcorp Genetics (formerly Invitae), Labcorp
Classification: Pathogenic for Bardet-Biedl syndrome. Last evaluated: 2023-05-24. Review status: criteria provided, single submitter. Criteria: Invitae Variant Classification Sherloc (09022015). Collection method: clinical testing. Allele origin: germline.
Comment: This sequence change creates a premature translational stop signal (p.Ser150Lysfs*3) in the BBS10 gene. While this is not anticipated to result in nonsense mediated decay, it is expected to disrupt the last 574 amino acid(s) of the BBS10 protein. For these reasons, this variant has been classified as Pathogenic. This variant disrupts a region of the BBS10 protein in which other variant(s) (p.Val707*) have been determined to be pathogenic (PMID: 20472660, 22773737, 25982971, 27486776). This suggests that this is a clinically significant region of the protein, and that variants that disrupt it are likely to be disease-causing. This variant has not been reported in the literature in individuals affected with BBS10-related conditions. This variant is not present in population databases (gnomAD no frequency).

Literature cited by the submitters: PubMed 20472660; PubMed 22773737; PubMed 25982971; PubMed 27486776.

NM_024685.4(BBS10):c.448_449insAGGT (p.Ser150fs)

Gene: BBS10 (Bardet-Biedl syndrome 10; minus strand). Cytogenetic location: 12q21.2.
Variant type: Insertion.
Coding change: c.448_449insAGGT on transcript NM_024685.4 (MANE Select); coding-DNA positions 448 to 449, AGGT inserted.
Protein change: p.Ser150fs; shifts the reading frame from serine 150.
Molecular consequence: frameshift variant.
Genome position: GRCh38 VCF-style: chr12-76347536-C-CACCT. GRCh37 (hg19) VCF-style: chr12-76741316-C-CACCT.
Other names: short protein forms S150fs.
Identifiers: ClinVar variation 2840963 (VCV002840963.3), dbSNP rs2540956871, ClinGen allele CA2739272198.
Genomic context (GRCh38, chr12:76,347,536, plus strand): 5'-AAAGAGCTCCTACACAATGTTCTCTCTTTAGCAGACGAAAAGATAGACAAAAAGTGTCTA[C>CACCT]TTAGGTACTGGTCCATAATACCGTCTAATATTTGTGTCTGAAACGTTAGGAGAGCCTGGG-3'